The following is an entry in ClinVar:

NM_002948.5(RPL15):c.441C>T (p.Asp147=)

Genes: NKIRAS1 (NFKB inhibitor interacting Ras like 1; minus strand), RPL15 (ribosomal protein L15; plus strand). Cytogenetic location: 3p24.2.
Variant type: single nucleotide variant.
Coding change: c.441C>T on transcript NM_002948.5 (MANE Select); coding-DNA position 441, C replaced by T.
Protein change: p.Asp147=; no amino-acid change (aspartic acid 147 retained).
Molecular consequence: synonymous variant. On other transcripts: intron variant (2).
Genome position (GRCh38, 1-based): chr3:23,919,327, C>T. VCF-style: chr3-23919327-C-T. GRCh37 (hg19) VCF-style: chr3-23960818-C-T.
Other names: c.441C>T, p.Asp147= (NM_001253379.2, NM_001253380.2, NM_001253382.2 and 1 more transcripts); c.-139-7877G>A (NM_001377380.1); c.360+81C>T (NM_001253384.2).
Identifiers: ClinVar variation 2175397 (VCV002175397.6), dbSNP rs768075641, ClinGen allele CA2286521.

ClinVar aggregate classification (germline): Likely benign. Review status: criteria provided, multiple submitters, no conflicts (2 of 4 stars). 3 submissions from 3 submitters: Likely benign (2). 1 of the submissions does not count toward it. Last evaluated 2024-07-31.

Conditions:
RPL15-related disorder. Also called: RPL15-related condition.

Allele frequency attached by ClinVar (database versions not stated): gnomAD 0.00001; TOPMed 0.00003; ExAC 0.00002.
gnomAD v4.1: 30 of 1,603,228 alleles (0.0019%); highest among the groups gnomAD compares: Non-Finnish European, 0.0025%; no homozygotes.

Submissions (3):

Blueprint Genetics
Classification: Likely benign. Last evaluated: 2024-07-31. Review status: criteria provided, single submitter. Criteria: ACMG Guidelines, 2015. Collection method: clinical testing. Allele origin: germline.

Labcorp Genetics (formerly Invitae), Labcorp
Classification: Likely benign. Last evaluated: 2024-04-25. Review status: criteria provided, single submitter. Criteria: Invitae Variant Classification Sherloc (09022015). Collection method: clinical testing. Allele origin: germline.

PreventionGenetics, part of Exact Sciences
Classification: Likely benign for RPL15-related condition. Last evaluated: 2024-02-06. Review status: no assertion criteria provided. Collection method: clinical testing. Allele origin: germline. Not counted in ClinVar's aggregate classification.
Comment: This variant is classified as likely benign based on ACMG/AMP sequence variant interpretation guidelines (Richards et al. 2015 PMID: 25741868, with internal and published modifications).